The following is an entry in ClinVar:

NM_017636.4(TRPM4):c.127G>A (p.Ala43Thr)

Gene: TRPM4 (transient receptor potential cation channel subfamily M member 4; plus strand). Cytogenetic location: 19q13.33.
Variant type: single nucleotide variant.
Coding change: c.127G>A on transcript NM_017636.4 (MANE Select); coding-DNA position 127, G replaced by A.
Protein change: p.Ala43Thr; replaces alanine 43 with threonine.
Molecular consequence: missense variant. On other transcripts: 5 prime UTR variant (1), intron variant (2).
Genome position (GRCh38, 1-based): chr19:49,166,075, G>A. VCF-style: chr19-49166075-G-A. GRCh37 (hg19) VCF-style: chr19-49669332-G-A.
Other names: c.127G>A, p.Ala43Thr (NM_001195227.2, NM_001321281.2); c.-1246G>A (NM_001321282.2); c.-74-2185G>A (NM_001321283.2); c.-237-2478G>A (NM_001321285.2); short protein forms A43T.
Identifiers: ClinVar variation 536800 (VCV000536800.25), dbSNP rs112149155, ClinGen allele CA9568699.

ClinVar aggregate classification (germline): Uncertain significance. Review status: criteria provided, multiple submitters, no conflicts (2 of 4 stars). 7 submissions from 7 submitters: Uncertain significance (7). Last evaluated 2026-01-11.

Conditions:
Progressive familial heart block type IB (PFHB1B). Identifiers: Orphanet 871, MedGen C1970298, MONDO:0011474, OMIM 604559.
Erythrokeratodermia variabilis et progressiva 6. Identifiers: MedGen C5193144, MONDO:0032801, OMIM 618531.
Cardiovascular phenotype. Identifiers: MedGen CN230736.

Allele frequency attached by ClinVar (database versions not stated): TOPMed 0.00022; ESP Exome Variant Server 0.00023; gnomAD 0.00028; 1000 Genomes Project 30x 0.00047; 1000 Genomes Project 0.00060.

Submissions (7):

Labcorp Genetics (formerly Invitae), Labcorp
Classification: Uncertain significance for Progressive familial heart block type IB. Last evaluated: 2026-01-11. Review status: criteria provided, single submitter. Criteria: Invitae Variant Classification Sherloc (09022015). Collection method: clinical testing. Allele origin: germline.
Comment: This sequence change replaces alanine, which is neutral and non-polar, with threonine, which is neutral and polar, at codon 43 of the TRPM4 protein (p.Ala43Thr). The frequency data for this variant in the population databases is considered unreliable, as metrics indicate poor data quality at this position in the gnomAD database. This variant has not been reported in the literature in individuals affected with TRPM4-related conditions. ClinVar contains an entry for this variant (Variation ID: 536800). An algorithm developed to predict the effect of missense changes on protein structure and function outputs the following: PolyPhen-2: "Benign". The threonine amino acid residue is found in multiple mammalian species, which suggests that this missense change does not adversely affect protein function. In summary, the available evidence is currently insufficient to determine the role of this variant in disease. Therefore, it has been classified as a Variant of Uncertain Significance.

GeneDx
Classification: Uncertain significance. Last evaluated: 2025-09-25. Review status: criteria provided, single submitter. Criteria: GeneDx Variant Classification Process June 2021. Collection method: clinical testing. Allele origin: germline.
Comment: Has not been previously published as pathogenic or benign to our knowledge; In silico analysis suggests that this missense variant does not alter protein structure/function

Ambry Genetics
Classification: Uncertain significance for Cardiovascular phenotype. Last evaluated: 2025-01-27. Review status: criteria provided, single submitter. Criteria: Ambry Variant Classification Scheme 2023. Collection method: clinical testing. Allele origin: germline.

Fulgent Genetics
Classification: Uncertain significance for Progressive familial heart block type IB; Erythrokeratodermia variabilis et progressiva 6. Last evaluated: 2021-10-26. Review status: criteria provided, single submitter. Criteria: ACMG Guidelines, 2015. Collection method: clinical testing. Allele origin: unknown.

Revvity Omics, Revvity
Classification: Uncertain significance. Last evaluated: 2019-07-12. Review status: criteria provided, single submitter. Criteria: ACMG Guidelines, 2015. Collection method: clinical testing. Allele origin: germline.

Illumina Laboratory Services, Illumina
Classification: Uncertain significance for Progressive familial heart block type IB. Last evaluated: 2018-01-13. Review status: criteria provided, single submitter. Criteria: ICSL Variant Classification Criteria 13 December 2019. Collection method: clinical testing. Allele origin: germline.

Breakthrough Genomics
Classification: Uncertain significance. Review status: criteria provided, single submitter. Criteria: ACMG Guidelines, 2015. Collection method: not provided. Allele origin: germline. Inheritance: Autosomal dominant inheritance. Affected: yes.